The following is an entry in ClinVar:

ClinVar aggregate classification (germline): Uncertain significance (1 of 4 stars; one submission).

Submission:

Labcorp Genetics (formerly Invitae), Labcorp
Classification: Uncertain significance. Last evaluated: 2022-08-04. Review status: criteria provided, single submitter. Criteria: Invitae Variant Classification Sherloc (09022015). Collection method: clinical testing. Allele origin: germline.
Comment: This sequence change replaces histidine, which is basic and polar, with glutamine, which is neutral and polar, at codon 215 of the TYRP1 protein (p.His215Gln). This variant is not present in population databases (gnomAD no frequency). This variant has not been reported in the literature in individuals affected with TYRP1-related conditions. Algorithms developed to predict the effect of missense changes on protein structure and function are either unavailable or do not agree on the potential impact of this missense change (SIFT: "Tolerated"; PolyPhen-2: "Probably Damaging"; Align-GVGD: "Class C0"). In summary, the available evidence is currently insufficient to determine the role of this variant in disease. Therefore, it has been classified as a Variant of Uncertain Significance.

NM_000550.3(TYRP1):c.645T>G (p.His215Gln)

Gene: TYRP1 (tyrosinase related protein 1; plus strand). Cytogenetic location: 9p23.
Variant type: single nucleotide variant.
Coding change: c.645T>G on transcript NM_000550.3 (MANE Select); coding-DNA position 645, T replaced by G.
Protein change: p.His215Gln; replaces histidine 215 with glutamine.
Molecular consequence: missense variant.
Genome position (GRCh38, 1-based): chr9:12,695,774, T>G. VCF-style: chr9-12695774-T-G. GRCh37 (hg19) VCF-style: chr9-12695774-T-G.
Other names: short protein forms H215Q.
Identifiers: ClinVar variation 2053819 (VCV002053819.1), dbSNP rs2118223891, ClinGen allele CA372937954.